The following is an entry in ClinVar:

ClinVar aggregate classification (germline): Uncertain significance (1 of 4 stars; one submission).

Conditions:
Hereditary cancer-predisposing syndrome. Also called: Neoplastic Syndromes, Hereditary; Tumor predisposition; Hereditary neoplastic syndrome; Hereditary Cancer Syndrome. Identifiers: Orphanet 140162, MedGen C0027672, MeSH D009386, MONDO:0015356.

Submission:

Ambry Genetics
Classification: Uncertain significance for Hereditary cancer-predisposing syndrome. Last evaluated: 2025-08-01. Review status: criteria provided, single submitter. Criteria: Ambry Variant Classification Scheme 2023. Collection method: clinical testing. Allele origin: germline.
Comment: The p.D1909Y variant (also known as c.5725G>T), located in coding exon 10 of the BRCA2 gene, results from a G to T substitution at nucleotide position 5725. The aspartic acid at codon 1909 is replaced by tyrosine, an amino acid with highly dissimilar properties. This amino acid position is conserved. In addition, this alteration is predicted to be tolerated by in silico analysis. Since supporting evidence is limited at this time, the clinical significance of this alteration remains unclear.

NM_000059.4(BRCA2):c.5725G>T (p.Asp1909Tyr)

Gene: BRCA2 (BRCA2 DNA repair associated; plus strand). Cytogenetic location: 13q13.1.
Variant type: single nucleotide variant.
Coding change: c.5725G>T on transcript NM_000059.4 (MANE Select); coding-DNA position 5725, G replaced by T.
Protein change: p.Asp1909Tyr; replaces aspartic acid 1909 with tyrosine.
Molecular consequence: missense variant. On other transcripts: non-coding transcript variant (1), intron variant (2).
Genome position (GRCh38, 1-based): chr13:32,340,080, G>T. VCF-style: chr13-32340080-G-T. GRCh37 (hg19) VCF-style: chr13-32914217-G-T.
Other names: c.5725G>T, p.Asp1909Tyr (NM_001406719.1, NM_001406720.1); c.1910-4478G>T (NM_001406721.1); c.425-4478G>T (NM_001406722.1); short protein forms D1909Y.
Identifiers: ClinVar variation 2451575 (VCV002451575.3), dbSNP rs764827027, ClinGen allele CA387786875.
Genomic context (GRCh38, chr13:32,340,080, plus strand): 5'-ATTATGGCAGGTTGTTACGAGGCATTGGATGATTCAGAGGATATTCTTCATAACTCTCTA[G>T]ATAATGATGAATGTAGCACGCATTCACATAAGGTTTTTGCTGACATTCAGAGTGAAGAAA-3'
Protein context (NP_000050.3, residues 1899-1919): DSEDILHNSL[Asp1909Tyr]NDECSTHSHK